The following is an entry in ClinVar:

ClinVar aggregate classification (germline): Uncertain significance (1 of 4 stars; one submission).

Conditions:
Very long chain acyl-CoA dehydrogenase deficiency (ACADVLD). Also called: VLCAD Deficiency; Very Long-Chain Acyl-Coenzyme A Dehydrogenase Deficiency. Identifiers: Orphanet 26793, MedGen C3887523, MONDO:0008723, OMIM 201475.

Allele frequency attached by ClinVar (database versions not stated): gnomAD 0.00001.
gnomAD v4.1: 3 of 1,614,232 alleles (0.00019%); highest among the groups gnomAD compares: Non-Finnish European, 0.00025%; no homozygotes.

Submission:

Labcorp Genetics (formerly Invitae), Labcorp
Classification: Uncertain significance for Very long chain acyl-CoA dehydrogenase deficiency. Last evaluated: 2021-07-17. Review status: criteria provided, single submitter. Criteria: Invitae Variant Classification Sherloc (09022015). Collection method: clinical testing. Allele origin: germline.
Comment: This variant has not been reported in the literature in individuals affected with ACADVL-related conditions. This variant is not present in population databases (ExAC no frequency). This sequence change replaces proline with histidine at codon 56 of the ACADVL protein (p.Pro56His). The proline residue is weakly conserved and there is a moderate physicochemical difference between proline and histidine. Algorithms developed to predict the effect of missense changes on protein structure and function (SIFT, PolyPhen-2, Align-GVGD) all suggest that this variant is likely to be tolerated. In summary, the available evidence is currently insufficient to determine the role of this variant in disease. Therefore, it has been classified as a Variant of Uncertain Significance.

NM_000018.4(ACADVL):c.167C>A (p.Pro56His)

Gene: ACADVL (acyl-CoA dehydrogenase very long chain; plus strand). Cytogenetic location: 17p13.1.
Variant type: single nucleotide variant.
Coding change: c.167C>A on transcript NM_000018.4 (MANE Select); coding-DNA position 167, C replaced by A.
Protein change: p.Pro56His; replaces proline 56 with histidine.
Molecular consequence: missense variant. On other transcripts: 5 prime UTR variant (1), intron variant (1).
Genome position (GRCh38, 1-based): chr17:7,220,492, C>A. VCF-style: chr17-7220492-C-A. GRCh37 (hg19) VCF-style: chr17-7123811-C-A.
Other names: c.236C>A, p.Pro79His (NM_001270447.2); c.-62C>A (NM_001270448.2); c.139-112C>A (NM_001033859.3); short protein forms P79H, P56H.
Identifiers: ClinVar variation 1494055 (VCV001494055.8), dbSNP rs2142964131, ClinGen allele CA397722233.